The following is an entry in ClinVar:

ClinVar aggregate classification (germline): Uncertain significance (1 of 4 stars; one submission).

Conditions:
Osteogenesis imperfecta type 8 (OI8). Identifiers: MedGen C1970458, MONDO:0012581, OMIM 610915.

gnomAD v4.1: 2 of 1,590,400 alleles (0.00013%); highest among the groups gnomAD compares: Non-Finnish European, 0.00017%; no homozygotes.

Submission:

Labcorp Genetics (formerly Invitae), Labcorp
Classification: Uncertain significance for Osteogenesis imperfecta type 8. Last evaluated: 2025-06-23. Review status: criteria provided, single submitter. Criteria: Invitae Variant Classification Sherloc (09022015). Collection method: clinical testing. Allele origin: germline.
Comment: This sequence change replaces leucine, which is neutral and non-polar, with valine, which is neutral and non-polar, at codon 113 of the P3H1 protein (p.Leu113Val). This variant is not present in population databases (gnomAD no frequency). This variant has not been reported in the literature in individuals affected with P3H1-related conditions. ClinVar contains an entry for this variant (Variation ID: 1460959). Invitae Evidence Modeling of protein sequence and biophysical properties (such as structural, functional, and spatial information, amino acid conservation, physicochemical variation, residue mobility, and thermodynamic stability) indicates that this missense variant is not expected to disrupt P3H1 protein function with a negative predictive value of 80%. In summary, the available evidence is currently insufficient to determine the role of this variant in disease. Therefore, it has been classified as a Variant of Uncertain Significance.

NM_022356.4(P3H1):c.337C>G (p.Leu113Val)

Gene: P3H1 (prolyl 3-hydroxylase 1; minus strand). Cytogenetic location: 1p34.2.
Variant type: single nucleotide variant.
Coding change: c.337C>G on transcript NM_022356.4 (MANE Select); coding-DNA position 337, C replaced by G.
Protein change: p.Leu113Val; replaces leucine 113 with valine.
Molecular consequence: missense variant.
Genome position (GRCh38, 1-based): chr1:42,766,635, G>C on the plus strand (C>G on the coding strand, the complement: P3H1 is on the minus strand). VCF-style: chr1-42766635-G-C. GRCh37 (hg19) VCF-style: chr1-43232306-G-C.
Other names: c.337C>G, p.Leu113Val (NM_001146289.2, NM_001243246.2); short protein forms L113V.
Identifiers: ClinVar variation 1460959 (VCV001460959.6), dbSNP rs965203707, ClinGen allele CA21251465.